The following is an entry in ClinVar:

NC_000016.10:g.30054946G>A

Genes: ALDOA (aldolase, fructose-bisphosphate A; plus strand), LOC112694756 (uncharaterized LOC112694756; plus strand). Cytogenetic location: 16p11.2.
Variant type: single nucleotide variant.
Molecular consequence: intron variant (on NM_001365304.2).
Genome position: GRCh38 VCF-style: chr16-30054946-G-A. GRCh37 (hg19) VCF-style: chr16-30066267-G-A.
Other names: c.150+19G>A (NM_001365307.2, NM_001365304.2); c.7-226G>A (NM_001365305.2).
Identifiers: ClinVar variation 380494 (VCV000380494.1), dbSNP rs41280858, ClinGen allele CA16607404.

ClinVar aggregate classification (germline): Benign (1 of 4 stars; one submission).

Allele frequency attached by ClinVar (database versions not stated): gnomAD 0.00941 and 0.01206; gnomAD exomes 0.01876; 1000 Genomes Project 30x 0.05465; 1000 Genomes Project 0.05791; TOPMed 0.01522.
gnomAD v4.1: 6,505 of 399,038 alleles (1.6%); highest among the groups gnomAD compares: East Asian, 17%; 527 homozygotes.

Submission:

GeneDx
Classification: Benign. Last evaluated: 2015-12-22. Review status: criteria provided, single submitter. Criteria: GeneDx Variant Classification (06012015). Collection method: clinical testing. Allele origin: germline. Affected: yes.
Comment: This variant is considered likely benign or benign based on one or more of the following criteria: it is a conservative change, it occurs at a poorly conserved position in the protein, it is predicted to be benign by multiple in silico algorithms, and/or has population frequency not consistent with disease.